The following is an entry in ClinVar:

ClinVar aggregate classification (germline): Benign. Review status: criteria provided, multiple submitters, no conflicts (2 of 4 stars). 11 submissions from 11 submitters: Benign (9). 2 of the submissions do not count toward it. Last evaluated 2026-02-04.

Conditions:
Antley-Bixler syndrome with genital anomalies and disordered steroidogenesis (ABS1). Also called: POR Deficiency. Identifiers: Orphanet 63269, MedGen C3150099, MONDO:0008726, OMIM 201750.
Congenital adrenal hyperplasia due to cytochrome P450 oxidoreductase deficiency. Also called: DISORDERED STEROIDOGENESIS DUE TO POR DEFICIENCY. Identifiers: Orphanet 95699, MedGen C1860042, MONDO:0013310, OMIM 613571.
21-Hydroxylase-Deficient Congenital Adrenal Hyperplasia. Also called: ADRENAL HYPERPLASIA III; ADRENAL HYPERPLASIA, CONGENITAL, DUE TO 21-HYDROXYLASE DEFICIENCY. Identifiers: MedGen C2936858, OMIM 201910.

Allele frequency attached by ClinVar (database versions not stated): ESP Exome Variant Server 0.26870; gnomAD 0.27856 and 0.28159; TOPMed 0.29293; gnomAD exomes 0.30233 and 0.31155; 1000 Genomes Project 0.30431; ExAC 0.30823.

Submissions (11):

Labcorp Genetics (formerly Invitae), Labcorp
Classification: Benign for Congenital adrenal hyperplasia due to cytochrome P450 oxidoreductase deficiency. Last evaluated: 2026-02-04. Review status: criteria provided, single submitter. Criteria: Invitae Variant Classification Sherloc (09022015). Collection method: clinical testing. Allele origin: germline.

Women's Health and Genetics/Laboratory Corporation of America, LabCorp
Classification: Benign. Last evaluated: 2025-02-08. Review status: criteria provided, single submitter. Criteria: LabCorp Variant Classification Summary - May 2015. Collection method: clinical testing. Allele origin: germline.

Blueprint Genetics
Classification: Benign. Last evaluated: 2024-11-27. Review status: criteria provided, single submitter. Criteria: ACMG Guidelines, 2015. Collection method: clinical testing. Allele origin: germline.

Genome-Nilou Lab
Classification: Benign for Antley-Bixler syndrome with genital anomalies and disordered steroidogenesis. Last evaluated: 2021-10-25. Review status: criteria provided, single submitter. Criteria: ACMG Guidelines, 2015. Collection method: clinical testing. Allele origin: germline. Affected: no.

Illumina Laboratory Services, Illumina
Classification: Benign for Congenital adrenal hyperplasia due to cytochrome P450 oxidoreductase deficiency. Last evaluated: 2018-01-12. Review status: criteria provided, single submitter. Criteria: ICSL Variant Classification Criteria 13 December 2019. Collection method: clinical testing. Allele origin: germline.
Comment: This variant was observed in the ICSL laboratory as part of a predisposition screen in an ostensibly healthy population. It had not been previously curated by ICSL or reported in the Human Gene Mutation Database (HGMD: prior to June 1st, 2018), and was therefore a candidate for classification through an automated scoring system. Utilizing variant allele frequency, disease prevalence and penetrance estimates, and inheritance mode, an automated score was calculated to assess if this variant is too frequent to cause the disease. Based on the score and internal cut-off values, a variant classified as benign is not then subjected to further curation. The score for this variant resulted in a classification of benign for this disease.

GeneDx
Classification: Benign. Last evaluated: 2015-03-03. Review status: criteria provided, single submitter. Criteria: GeneDx Variant Classification Process June 2021. Collection method: clinical testing. Allele origin: germline. Affected: yes.

Breakthrough Genomics
Classification: Benign. Review status: criteria provided, single submitter. Criteria: ACMG Guidelines, 2015. Collection method: not provided. Allele origin: germline. Inheritance: Autosomal recessive inheritance. Affected: yes.

Pecori Giraldi Lab, University of Milan
Classification: Benign for 21-Hydroxylase-Deficient Congenital Adrenal Hyperplasia. Review status: criteria provided, single submitter. Criteria: ACMG Guidelines, 2015. Collection method: case-control. Allele origin: germline. Affected: yes and no.
Comment: This variant is intronic

PreventionGenetics, part of Exact Sciences
Classification: Benign. Review status: criteria provided, single submitter. Criteria: ACMG Guidelines, 2015. Collection method: clinical testing. Allele origin: germline.

Diagnostic Laboratory, Department of Genetics, University Medical Center Groningen
Classification: Benign. Review status: no assertion criteria provided. Collection method: clinical testing. Allele origin: germline. Affected: yes. Study: VKGL Data-share Consensus. Not counted in ClinVar's aggregate classification.

Joint Genome Diagnostic Labs from Nijmegen and Maastricht, Radboudumc and MUMC+
Classification: Benign. Review status: no assertion criteria provided. Collection method: clinical testing. Allele origin: germline. Affected: yes. Study: VKGL Data-share Consensus. Not counted in ClinVar's aggregate classification.

Literature cited by the submitters: PubMed 33666875 (cited by Pecori Giraldi Lab, University of Milan); PubMed 27068427 (cited by Pecori Giraldi Lab, University of Milan); PubMed 21070833 (cited by Pecori Giraldi Lab, University of Milan); PubMed 24847272 (cited by Pecori Giraldi Lab, University of Milan).

NM_001395413.1(POR):c.1239+12C>T

Gene: POR (cytochrome p450 oxidoreductase; plus strand). Cytogenetic location: 7q11.23.
Variant type: single nucleotide variant.
Coding change: c.1239+12C>T on transcript NM_001395413.1 (MANE Select); 12 bases into the intron after coding-DNA position 1239, C replaced by T.
Molecular consequence: intron variant.
Genome position (GRCh38, 1-based): chr7:75,984,970, C>T. VCF-style: chr7-75984970-C-T. GRCh37 (hg19) VCF-style: chr7-75614288-C-T.
Other names: c.1248+12C>T (NM_000941.3); c.1239+12C>T (NM_001382662.3, NM_001382659.3, NM_001367562.3 and 2 more transcripts); c.1293+12C>T (NM_001382655.3).
Identifiers: ClinVar variation 256838 (VCV000256838.25), dbSNP rs2286822, ClinGen allele CA4304045.
Genomic context (GRCh38, chr7:75,984,970, plus strand): 5'-GGAGCAGGAGCTGCTGCGCAAGATGGCCTCCTCCTCCGGCGAGGGCAAGGTGCGCCCCCT[C>T]AGCCCCCGCAACCTCCGCCCCGTCACCCCGCCGTTTTCCGAGCTCCGTGGGCCCCAATCA-3'